The following is an entry in ClinVar:

ClinVar aggregate classification (germline): Uncertain significance. Review status: criteria provided, multiple submitters, no conflicts (2 of 4 stars). 3 submissions from 3 submitters: Uncertain significance (3). Last evaluated 2025-11-18.

Allele frequency attached by ClinVar (database versions not stated): gnomAD 0.00001; gnomAD exomes 0.00001; TOPMed 0.00002.
gnomAD v4.1: 4 of 1,545,436 alleles (0.00026%); highest among the groups gnomAD compares: Admixed American, 0.0077%; no homozygotes.

Submissions (3):

Labcorp Genetics (formerly Invitae), Labcorp
Classification: Uncertain significance. Last evaluated: 2025-11-18. Review status: criteria provided, single submitter. Criteria: Invitae Variant Classification Sherloc (09022015). Collection method: clinical testing. Allele origin: germline.
Comment: This sequence change replaces aspartic acid, which is acidic and polar, with glutamic acid, which is acidic and polar, at codon 115 of the RASA2 protein (p.Asp115Glu). This variant is present in population databases (no rsID available, gnomAD 0.008%). This variant has not been reported in the literature in individuals affected with RASA2-related conditions. ClinVar contains an entry for this variant (Variation ID: 992788). Invitae Evidence Modeling of protein sequence and biophysical properties (such as structural, functional, and spatial information, amino acid conservation, physicochemical variation, residue mobility, and thermodynamic stability) indicates that this missense variant is not expected to disrupt RASA2 protein function with a negative predictive value of 80%. In summary, the available evidence is currently insufficient to determine the role of this variant in disease. Therefore, it has been classified as a Variant of Uncertain Significance.

Ambry Genetics
Classification: Uncertain significance. Last evaluated: 2024-12-14. Review status: criteria provided, single submitter. Criteria: Ambry Variant Classification Scheme 2023. Collection method: clinical testing. Allele origin: germline.

New York Genome Center
Classification: Uncertain significance. Last evaluated: 2019-07-17. Review status: criteria provided, single submitter. Criteria: NYGC Assertion Criteria 2020. Collection method: clinical testing. Allele origin: germline. Observed: 1 heterozygote. Study: CSER-NYCKidSeq.

NM_006506.5(RASA2):c.345T>A (p.Asp115Glu)

Gene: RASA2 (RAS p21 protein activator 2; plus strand). Cytogenetic location: 3q23.
Variant type: single nucleotide variant.
Coding change: c.345T>A on transcript NM_006506.5 (MANE Select); coding-DNA position 345, T replaced by A.
Protein change: p.Asp115Glu; replaces aspartic acid 115 with glutamic acid.
Molecular consequence: missense variant.
Genome position (GRCh38, 1-based): chr3:141,516,421, T>A. VCF-style: chr3-141516421-T-A. GRCh37 (hg19) VCF-style: chr3-141235263-T-A.
Other names: c.345T>A, p.Asp115Glu (NM_001303245.3, NM_001303246.3); short protein forms D115E.
Identifiers: ClinVar variation 992788 (VCV000992788.13), dbSNP rs956728389, ClinGen allele CA84646548.
Genomic context (GRCh38, chr3:141,516,421, plus strand): 5'-TCCAAGAACTTTCCAGTATTTGTCTTTCTATGTTTATGATAAGAATGTTTTACAAAGAGA[T>A]CTCCGTATAGGTATGTACTATTCATAATTATCTTTAATCACAATGTTAATGTTTATATTC-3'
Protein context (NP_006497.2, residues 105-125): YVYDKNVLQR[Asp115Glu]LRIGKVAIKK